The following is an entry in ClinVar:

NM_000051.4(ATM):c.2203A>C (p.Ile735Leu)

Gene: ATM (ATM serine/threonine kinase; plus strand). Cytogenetic location: 11q22.3.
Variant type: single nucleotide variant.
Coding change: c.2203A>C on transcript NM_000051.4 (MANE Select); coding-DNA position 2203, A replaced by C.
Protein change: p.Ile735Leu; replaces isoleucine 735 with leucine.
Molecular consequence: missense variant.
Genome position (GRCh38, 1-based): chr11:108,256,293, A>C. VCF-style: chr11-108256293-A-C. GRCh37 (hg19) VCF-style: chr11-108127020-A-C.
Other names: c.2203A>C, p.Ile735Leu (NM_001351834.2); short protein forms I735L.
Identifiers: ClinVar variation 3802862 (VCV003802862.1).

ClinVar aggregate classification (germline): Uncertain significance (1 of 4 stars; one submission).

Conditions:
Hereditary cancer-predisposing syndrome. Also called: Neoplastic Syndromes, Hereditary; Hereditary Cancer Syndrome; Tumor predisposition; Hereditary neoplastic syndrome. Identifiers: Orphanet 140162, MedGen C0027672, MeSH D009386, MONDO:0015356.

Submission:

Ambry Genetics
Classification: Uncertain significance for Hereditary cancer-predisposing syndrome. Last evaluated: 2025-02-21. Review status: criteria provided, single submitter. Criteria: Ambry Variant Classification Scheme 2023. Collection method: clinical testing. Allele origin: germline.
Comment: The p.I735L variant (also known as c.2203A>C), located in coding exon 13 of the ATM gene, results from an A to C substitution at nucleotide position 2203. The isoleucine at codon 735 is replaced by leucine, an amino acid with highly similar properties. This amino acid position is conserved. In addition, this alteration is predicted to be tolerated by in silico analysis. Based on the available evidence, the clinical significance of this variant remains unclear.